The following is an entry in ClinVar:

NM_001849.4(COL6A2):c.1396-1G>A

Gene: COL6A2 (collagen type VI alpha 2 chain; plus strand). Cytogenetic location: 21q22.3.
Variant type: single nucleotide variant.
Coding change: c.1396-1G>A on transcript NM_001849.4 (MANE Select); the canonical splice acceptor site of the intron before coding-DNA position 1396, G replaced by A.
Molecular consequence: splice acceptor variant.
Genome position (GRCh38, 1-based): chr21:46,121,060, G>A. VCF-style: chr21-46121060-G-A. GRCh37 (hg19) VCF-style: chr21-47540974-G-A.
Other names: c.1396-1G>A (NM_058175.3, NM_058174.3, NM_001849.3).
Identifiers: ClinVar variation 594262 (VCV000594262.46), dbSNP rs1331260332, ClinGen allele CA410531310.

ClinVar aggregate classification (germline): Pathogenic/Likely pathogenic. Review status: criteria provided, multiple submitters, no conflicts (2 of 4 stars). 3 submissions from 3 submitters: Pathogenic (2); Likely pathogenic (1). Last evaluated 2023-07-31.

Conditions:
COL6A2-related disorder.

Allele frequency attached by ClinVar (database versions not stated): gnomAD 0.00001; TOPMed 0.00001; gnomAD exomes 0.00002.
gnomAD v4.1: 25 of 1,612,662 alleles (0.0016%); highest among the groups gnomAD compares: Non-Finnish European, 0.0021%; no homozygotes.

Submissions (3):

PreventionGenetics, part of Exact Sciences
Classification: Likely pathogenic for COL6A2-related condition. Last evaluated: 2023-07-31. Review status: criteria provided, single submitter. Criteria: ACMG Guidelines, 2015. Collection method: clinical testing. Allele origin: germline.
Comment: The COL6A2 c.1396-1G>A variant is predicted to disrupt the AG splice acceptor site and interfere with normal splicing. This variant is predicted to abolish the canonical splice acceptor site and activate an out-of-frame cryptic acceptor (Alamut Visual Plus v1.6.1). Therefore, this variant could cause skipping of exon 17 (inducing an in-frame deletion) or a frameshift and premature termination. To our knowledge, this variant has not been reported in the literature or in a large population database, indicating this variant is rare. Variants that disrupt the consensus splice acceptor site in COL6A2 are expected to be pathogenic. This variant is interpreted as likely pathogenic; however, given the uncertainty of biological impact we cannot determine if this variant would cause autosomal dominant or recessive disease.

CeGaT Center for Human Genetics Tuebingen
Classification: Pathogenic. Last evaluated: 2019-01-01. Review status: criteria provided, single submitter. Criteria: CeGaT Center For Human Genetics Tuebingen Variant Classification Criteria Version 2. Collection method: clinical testing. Allele origin: germline. Affected: yes. Observed: 1 variant allele.

Eurofins Ntd Llc (ga)
Classification: Pathogenic. Last evaluated: 2017-09-29. Review status: criteria provided, single submitter. Criteria: EGL Classification Definitions 2015. Collection method: clinical testing. Allele origin: germline. Observed: 1 variant allele, 1 heterozygote.